The following is an entry in ClinVar:

ClinVar aggregate classification (germline): Uncertain significance. Review status: criteria provided, multiple submitters, no conflicts (2 of 4 stars). 2 submissions from 2 submitters: Uncertain significance (2). Last evaluated 2025-11-04.

Conditions:
Hereditary cancer-predisposing syndrome. Also called: Neoplastic Syndromes, Hereditary; Tumor predisposition; Hereditary Cancer Syndrome; Hereditary neoplastic syndrome. Identifiers: Orphanet 140162, MedGen C0027672, MeSH D009386, MONDO:0015356.

Allele frequency attached by ClinVar (database versions not stated): gnomAD exomes below 0.00001.
gnomAD v4.1: 1 of 1,614,132 alleles (0.000062%); highest among the groups gnomAD compares: Non-Finnish European, 0.000085%; no homozygotes.

Submissions (2):

Ambry Genetics
Classification: Uncertain significance for Hereditary cancer-predisposing syndrome. Last evaluated: 2025-11-04. Review status: criteria provided, single submitter. Criteria: Ambry Variant Classification Scheme 2023. Collection method: clinical testing. Allele origin: germline.
Comment: The p.P370S variant (also known as c.1108C>T), located in coding exon 11 of the BAP1 gene, results from a C to T substitution at nucleotide position 1108. The proline at codon 370 is replaced by serine, an amino acid with similar properties. This amino acid position is conserved. In addition, the in silico prediction for this alteration is inconclusive. Based on the available evidence, the clinical significance of this variant remains unclear.

Color Diagnostics, LLC DBA Color Health
Classification: Uncertain significance for Hereditary cancer-predisposing syndrome. Last evaluated: 2023-10-10. Review status: criteria provided, single submitter. Criteria: ACMG Guidelines, 2015. Collection method: clinical testing. Allele origin: germline.
Comment: This missense variant replaces proline with serine at codon 370 of the BAP1 protein. Computational prediction suggests that this variant may not impact protein structure and function (internally defined REVEL score threshold <= 0.5, PMID: 27666373). To our knowledge, functional studies have not been reported for this variant. This variant has not been reported in individuals affected with BAP1-related disorders in the literature. This variant has not been identified in the general population by the Genome Aggregation Database (gnomAD). The available evidence is insufficient to determine the role of this variant in disease conclusively. Therefore, this variant is classified as a Variant of Uncertain Significance.

NM_004656.4(BAP1):c.1108C>T (p.Pro370Ser)

Gene: BAP1 (BRCA1 associated deubiquitinase 1; minus strand). Cytogenetic location: 3p21.1.
Variant type: single nucleotide variant.
Coding change: c.1108C>T on transcript NM_004656.4 (MANE Select); coding-DNA position 1108, C replaced by T.
Protein change: p.Pro370Ser; replaces proline 370 with serine.
Molecular consequence: missense variant.
Genome position (GRCh38, 1-based): chr3:52,405,118, G>A on the plus strand (C>T on the coding strand, the complement: BAP1 is on the minus strand). VCF-style: chr3-52405118-G-A. GRCh37 (hg19) VCF-style: chr3-52439134-G-A.
Other names: c.1054C>T, p.Pro352Ser (NM_001410772.1); short protein forms P352S, P370S.
Identifiers: ClinVar variation 2774756 (VCV002774756.3), dbSNP rs2153226991, ClinGen allele CA353105106.